The following is an entry in ClinVar:

ClinVar aggregate classification (germline): Likely pathogenic (1 of 4 stars; one submission).

Conditions:
FGD1-related disorder. Also called: FGD1-related condition; FGD1-related disorders.

Submission:

PreventionGenetics, part of Exact Sciences
Classification: Likely pathogenic for FGD1-related condition. Last evaluated: 2025-11-09. Review status: criteria provided, single submitter. Criteria: ACMG Guidelines, 2015. Collection method: clinical testing. Allele origin: germline.
Comment: The FGD1 c.2697G>A variant is predicted to result in premature protein termination (p.Trp899*). To our knowledge, this variant has not been reported in the literature or in a large population database (gnomAD), indicating this variant is rare. This variant is located in the last exon of FGD1, and therefore the resulting transcript may not undergo nonsense-mediated decay. However, a similar truncating variant in this exon (p.Arg921*) was previously reported in patients with Aarskog-Scott syndrome (Griffin et al. 2016. PubMed ID: 27551683; Meyer et al. 2021. PubMed ID: 33482836). This variant is interpreted as likely pathogenic.

NM_004463.3(FGD1):c.2697G>A (p.Trp899Ter)

Genes: FGD1 (FYVE, RhoGEF and PH domain containing 1; minus strand), TSR2 (TSR2 ribosome maturation factor; plus strand). Cytogenetic location: Xp11.22.
Variant type: single nucleotide variant.
Coding change: c.2697G>A on transcript NM_004463.3 (MANE Select); coding-DNA position 2697, G replaced by A.
Protein change: p.Trp899Ter; replaces tryptophan 899 with a stop codon.
Molecular consequence: nonsense. On other transcripts: 3 prime UTR variant (5).
Genome position (GRCh38, 1-based): chrX:54,446,298, C>T on the plus strand (G>A on the coding strand, the complement: FGD1 is on the minus strand). VCF-style: chrX-54446298-C-T. GRCh37 (hg19) VCF-style: chrX-54472731-C-T.
Other names: c.*1748C>T (NM_001346789.2, NM_001346790.2, NM_001346791.2 and 2 more transcripts); short protein forms W899*.
Identifiers: ClinVar variation 4993103 (VCV004993103.1).